The following is an entry in ClinVar:

NM_145239.3(PRRT2):c.194C>G (p.Ala65Gly)

Genes: MVP-DT (MVP divergent transcript; minus strand), PRRT2 (proline rich transmembrane protein 2; plus strand). Cytogenetic location: 16p11.2.
Variant type: single nucleotide variant.
Coding change: c.194C>G on transcript NM_145239.3 (MANE Select); coding-DNA position 194, C replaced by G.
Protein change: p.Ala65Gly; replaces alanine 65 with glycine.
Molecular consequence: missense variant.
Genome position (GRCh38, 1-based): chr16:29,813,248, C>G. VCF-style: chr16-29813248-C-G. GRCh37 (hg19) VCF-style: chr16-29824569-C-G.
Other names: c.194C>G, p.Ala65Gly (NM_001256442.2, NM_001256443.2); short protein forms A65G.
Identifiers: ClinVar variation 2020607 (VCV002020607.4), dbSNP rs768706409, ClinGen allele CA7994490.

ClinVar aggregate classification (germline): Uncertain significance (1 of 4 stars; one submission).

Conditions:
Episodic kinesigenic dyskinesia (EKD). Also called: Paroxysmal kinesigenic dyskinesia. Identifiers: Orphanet 98809, MedGen C1868682, MONDO:0044202.

Allele frequency attached by ClinVar (database versions not stated): ExAC 0.00003; gnomAD 0.00001; gnomAD exomes 0.00001; TOPMed 0.00001.

Submission:

Labcorp Genetics (formerly Invitae), Labcorp
Classification: Uncertain significance for Episodic kinesigenic dyskinesia. Last evaluated: 2025-10-02. Review status: criteria provided, single submitter. Criteria: Invitae Variant Classification Sherloc (09022015). Collection method: clinical testing. Allele origin: germline.
Comment: This sequence change replaces alanine, which is neutral and non-polar, with glycine, which is neutral and non-polar, at codon 65 of the PRRT2 protein (p.Ala65Gly). This variant is present in population databases (rs768706409, gnomAD 0.006%). This variant has not been reported in the literature in individuals affected with PRRT2-related conditions. ClinVar contains an entry for this variant (Variation ID: 2020607). Invitae Evidence Modeling of protein sequence and biophysical properties (such as structural, functional, and spatial information, amino acid conservation, physicochemical variation, residue mobility, and thermodynamic stability) indicates that this missense variant is not expected to disrupt PRRT2 protein function with a negative predictive value of 95%. In summary, the available evidence is currently insufficient to determine the role of this variant in disease. Therefore, it has been classified as a Variant of Uncertain Significance.